The following is an entry in ClinVar:

ClinVar aggregate classification (germline): Likely benign (0 of 4 stars; one submission).

Conditions:
SLC9A3-related disorder. Also called: SLC9A3-related condition.

Allele frequency attached by ClinVar (database versions not stated): gnomAD 0.00005; TOPMed 0.00005; ExAC 0.00006.
gnomAD v4.1: 38 of 1,536,342 alleles (0.0025%); highest among the groups gnomAD compares: Admixed American, 0.031%; no homozygotes.

Submission:

PreventionGenetics, part of Exact Sciences
Classification: Likely benign for SLC9A3-related condition. Last evaluated: 2020-07-24. Review status: no assertion criteria provided. Collection method: clinical testing. Allele origin: germline.
Comment: This variant is classified as likely benign based on ACMG/AMP sequence variant interpretation guidelines (Richards et al. 2015 PMID: 25741868, with internal and published modifications).

NM_004174.4(SLC9A3):c.1153+7C>T

Gene: SLC9A3 (solute carrier family 9 member A3). Cytogenetic location: 5p15.33.
Variant type: single nucleotide variant.
Coding change: c.1153+7C>T on transcript NM_004174.4 (MANE Select); 7 bases into the intron after coding-DNA position 1153, C replaced by T.
Molecular consequence: intron variant.
Genome position (GRCh38, 1-based): chr5:483,255, G>A on the plus strand (C>T on the coding strand, the complement: SLC9A3 is on the minus strand). VCF-style: chr5-483255-G-A. GRCh37 (hg19) VCF-style: chr5-483370-G-A.
Other names: c.1153+7C>T (NM_001284351.3).
Identifiers: ClinVar variation 3053918 (VCV003053918.2), dbSNP rs763187542, ClinGen allele CA3176081.
Genomic context (GRCh38, chr5:483,255, plus strand): 5'-CTGCGCCTTCCCGGAGACGGTGCCGGCCCATCGGTGGTCCCACGGCCGCAACCCGGCCCC[G>A]CCTCACCGATGGCCCGGTACACGGAGATGAAGACCAGCGTCAGGAGCACGAAGGCCGTGT-3'